The following is an entry in ClinVar:

ClinVar aggregate classification (germline): Uncertain significance. Review status: criteria provided, multiple submitters, no conflicts (2 of 4 stars). 2 submissions from 2 submitters: Uncertain significance (2). Last evaluated 2024-01-23.

Conditions:
Inborn genetic diseases. Identifiers: MedGen C0950123, MeSH D030342.

Allele frequency attached by ClinVar (database versions not stated): gnomAD exomes below 0.00001; gnomAD 0.00001.
gnomAD v4.1: 5 of 1,612,310 alleles (0.00031%); highest among the groups gnomAD compares: South Asian, 0.0011%; no homozygotes.

Submissions (2):

Ambry Genetics
Classification: Uncertain significance for Inborn genetic diseases. Last evaluated: 2024-01-23. Review status: criteria provided, single submitter. Criteria: Ambry Variant Classification Scheme 2023. Collection method: clinical testing. Allele origin: germline.
Comment: The c.3772C>T (p.R1258W) alteration is located in exon 27 (coding exon 27) of the ARFGEF1 gene. This alteration results from a C to T substitution at nucleotide position 3772, causing the arginine (R) at amino acid position 1258 to be replaced by a tryptophan (W). Based on data from gnomAD, the T allele has an overall frequency of 0.003% (1/31342) total alleles studied. The highest observed frequency was 0.007% (1/15396) of European (non-Finnish) alleles. This amino acid position is highly conserved in available vertebrate species. This missense alteration is located in a region that has a low rate of benign missense variation (Lek, 2016; Firth, 2009). This alteration is predicted to be deleterious by in silico analysis. Based on insufficient or conflicting evidence, the clinical significance of this alteration remains unclear.

Blueprint Genetics
Classification: Uncertain significance. Last evaluated: 2023-07-01. Review status: criteria provided, single submitter. Criteria: ACMG Guidelines, 2015. Collection method: clinical testing. Allele origin: germline.

NM_006421.5(ARFGEF1):c.3772C>T (p.Arg1258Trp)

Gene: ARFGEF1 (ARF guanine nucleotide exchange factor 1; minus strand). Cytogenetic location: 8q13.2.
Variant type: single nucleotide variant.
Coding change: c.3772C>T on transcript NM_006421.5 (MANE Select); coding-DNA position 3772, C replaced by T.
Protein change: p.Arg1258Trp; replaces arginine 1258 with tryptophan.
Molecular consequence: missense variant. On other transcripts: non-coding transcript variant (1).
Genome position (GRCh38, 1-based): chr8:67,227,281, G>A on the plus strand (C>T on the coding strand, the complement: ARFGEF1 is on the minus strand). VCF-style: chr8-67227281-G-A. GRCh37 (hg19) VCF-style: chr8-68139516-G-A.
Other names: c.3772C>T, p.Arg1258Trp (NM_001413184.1, NM_001413185.1, NM_001413186.1 and 6 more transcripts); c.3172C>T, p.Arg1058Trp (NM_001413188.1, NM_001413193.1, NM_001413197.1); c.3766C>T, p.Arg1256Trp (NM_001413190.1); c.2347C>T, p.Arg783Trp (NM_001413196.1); short protein forms R783W, R1058W, R1256W, R1258W.
Identifiers: ClinVar variation 3128359 (VCV003128359.2), dbSNP rs1242748363, ClinGen allele CA371199646.
Genomic context (GRCh38, chr8:67,227,281, plus strand): 5'-TGTTCTTCCATCCAGATCGAATGTTAGCAGCTTGAGAATTAACCATCTGTGCTATACACC[G>A]TACAACCATATCTCGAATTGTTGGAGACCTAAAAATATTAATATAATTGCTTGGATATGC-3'
Protein context (NP_006412.2, residues 1248-1268): RSPTIRDMVV[Arg1258Trp]CIAQMVNSQA